The following is an entry in ClinVar:

ClinVar aggregate classification (germline): Uncertain significance (1 of 4 stars; one submission).

Conditions:
Familial sleep-related hypermotor epilepsy. Also called: Autosomal Dominant Sleep-Related Hypermotor (Hyperkinetic) Epilepsy. Identifiers: Orphanet 98784, MedGen C3696898, MONDO:0000030.

Submission:

Labcorp Genetics (formerly Invitae), Labcorp
Classification: Uncertain significance. Last evaluated: 2022-03-16. Review status: criteria provided, single submitter. Criteria: Invitae Variant Classification Sherloc (09022015). Collection method: clinical testing. Allele origin: germline.
Comment: This sequence change replaces alanine, which is neutral and non-polar, with valine, which is neutral and non-polar, at codon 410 of the CHRNA2 protein (p.Ala410Val). This variant is not present in population databases (gnomAD no frequency). This variant has not been reported in the literature in individuals affected with CHRNA2-related conditions. Advanced modeling of protein sequence and biophysical properties (such as structural, functional, and spatial information, amino acid conservation, physicochemical variation, residue mobility, and thermodynamic stability) performed at Invitae indicates that this missense variant is not expected to disrupt CHRNA2 protein function. In summary, the available evidence is currently insufficient to determine the role of this variant in disease. Therefore, it has been classified as a Variant of Uncertain Significance.

NM_000742.4(CHRNA2):c.1229C>T (p.Ala410Val)

Gene: CHRNA2 (cholinergic receptor nicotinic alpha 2 subunit; minus strand). Cytogenetic location: 8p21.2.
Variant type: single nucleotide variant.
Coding change: c.1229C>T on transcript NM_000742.4 (MANE Select); coding-DNA position 1229, C replaced by T.
Protein change: p.Ala410Val; replaces alanine 410 with valine.
Molecular consequence: missense variant.
Genome position (GRCh38, 1-based): chr8:27,463,214, G>A on the plus strand (C>T on the coding strand, the complement: CHRNA2 is on the minus strand). VCF-style: chr8-27463214-G-A. GRCh37 (hg19) VCF-style: chr8-27320731-G-A.
Other names: c.1184C>T, p.Ala395Val (NM_001282455.2); c.752C>T, p.Ala251Val (NM_001347705.2, NM_001347706.2); c.635C>T, p.Ala212Val (NM_001347707.2, NM_001347708.2); short protein forms A212V, A410V, A251V, A395V.
Identifiers: ClinVar variation 2112940 (VCV002112940.4), dbSNP rs2490534766, ClinGen allele CA370809106.
Genomic context (GRCh38, chr8:27,463,214, plus strand): 5'-GCCACATGACCTGCACATGCCCATCTGTCCTCCTCCTCCACCACCACCTCCCTCTCCTCG[G>A]CATCCACGTTGCTCTCCAGCCAGTGATAAGAGGGGCTGAGCTTCAGGCGTAGGGGGTGGC-3'
Protein context (NP_000733.2, residues 400-420): SYHWLESNVD[Ala410Val]EEREVVVEEE